The following is an entry in ClinVar:

ClinVar aggregate classification (germline): Uncertain significance (1 of 4 stars; one submission).

Submission:

GeneDx
Classification: Uncertain significance. Last evaluated: 2023-03-17. Review status: criteria provided, single submitter. Criteria: GeneDx Variant Classification Process June 2021. Collection method: clinical testing. Allele origin: germline. Affected: yes.
Comment: Not observed at significant frequency in large population cohorts (gnomAD); In silico analysis supports that this missense variant has a deleterious effect on protein structure/function; Has not been previously published as pathogenic or benign to our knowledge

NM_002641.4(PIGA):c.545T>C (p.Ile182Thr)

Gene: PIGA (phosphatidylinositol glycan anchor biosynthesis class A; minus strand). Cytogenetic location: Xp22.2.
Variant type: single nucleotide variant.
Coding change: c.545T>C on transcript NM_002641.4 (MANE Select); coding-DNA position 545, T replaced by C.
Protein change: p.Ile182Thr; replaces isoleucine 182 with threonine.
Molecular consequence: missense variant. On other transcripts: intron variant (1).
Genome position (GRCh38, 1-based): chrX:15,331,386, A>G on the plus strand (T>C on the coding strand, the complement: PIGA is on the minus strand). VCF-style: chrX-15331386-A-G. GRCh37 (hg19) VCF-style: chrX-15349508-A-G.
Other names: c.13+4115T>C (NM_020473.3); short protein forms I182T.
Identifiers: ClinVar variation 2579896 (VCV002579896.1), dbSNP rs2519331405, ClinGen allele CA412339213.